The following is an entry in ClinVar:

NM_003491.4(NAA10):c.494_495del (p.Lys165fs)

Gene: NAA10 (N-alpha-acetyltransferase 10, NatA catalytic subunit; minus strand). Cytogenetic location: Xq28.
Variant type: Deletion.
Coding change: c.494_495del on transcript NM_003491.4 (MANE Select); coding-DNA positions 494 to 495, 2 bases deleted (AA; older notation c.494_495delAA).
Protein change: p.Lys165fs; shifts the reading frame from lysine 165.
Molecular consequence: frameshift variant.
Genome position (GRCh38, 1-based): chrX:153,930,200-153,930,201, TT deleted on the plus strand (AA on the coding strand, the reverse complement: NAA10 is on the minus strand); deleting any 2 consecutive bases within chrX:153,930,200-153,930,202 gives the same sequence; the c. name uses the placement nearest the transcript's 3' end. VCF-style (leftmost placement, unchanged base first): chrX-153930199-CTT-C. GRCh37 (hg19) VCF-style: chrX-153195652-CTT-C.
Other names: c.449_450del, p.Lys150fs (NM_001256119.2); c.476_477del, p.Lys159fs (NM_001256120.2); short protein forms K150fs, K159fs, K165fs.
Identifiers: ClinVar variation 561061 (VCV000561061.2), dbSNP rs1569546255, ClinGen allele CA658825037.

ClinVar aggregate classification (germline): Pathogenic (1 of 4 stars; one submission).

Conditions:
Ogden syndrome (OGDNS). Also called: N-TERMINAL ACETYLTRANSFERASE DEFICIENCY. Identifiers: Orphanet 276432, MedGen C3275447, MONDO:0010457, OMIM 300855.

Submission:

Baylor Genetics
Classification: Pathogenic for Ogden syndrome. Last evaluated: 2017-09-01. Review status: criteria provided, single submitter. Criteria: ACMG Guidelines, 2015. Collection method: clinical testing. Allele origin: de novo. Inheritance: X-linked inheritance. Affected: yes.

Literature cited by the submitters: PubMed 25326635.